The following is an entry in ClinVar:

NM_002025.4(AFF2):c.410C>T (p.Pro137Leu)

Gene: AFF2 (ALF transcription elongation factor 2; plus strand). Cytogenetic location: Xq28.
Variant type: single nucleotide variant.
Coding change: c.410C>T on transcript NM_002025.4 (MANE Select); coding-DNA position 410, C replaced by T.
Protein change: p.Pro137Leu; replaces proline 137 with leucine.
Molecular consequence: missense variant.
Genome position (GRCh38, 1-based): chrX:148,662,137, C>T. VCF-style: chrX-148662137-C-T. GRCh37 (hg19) VCF-style: chrX-147743658-C-T.
Other names: c.398C>T, p.Pro133Leu (NM_001169122.2, NM_001169123.2, NM_001169125.2); c.410C>T, p.Pro137Leu (NM_001169124.2); short protein forms P133L, P137L.
Identifiers: ClinVar variation 2507318 (VCV002507318.2), dbSNP rs986405557, ClinGen allele CA336986943.

ClinVar aggregate classification (germline): Uncertain significance (1 of 4 stars; one submission).

Allele frequency attached by ClinVar (database versions not stated): gnomAD exomes below 0.00001; TOPMed 0.00002.
gnomAD v4.1: 1 of 1,209,685 alleles (0.000083%); highest among the groups gnomAD compares: Non-Finnish European, 0.00011%; no homozygotes.

Submission:

GeneDx
Classification: Uncertain significance. Last evaluated: 2024-03-28. Review status: criteria provided, single submitter. Criteria: GeneDx Variant Classification Process June 2021. Collection method: clinical testing. Allele origin: germline. Affected: yes.
Comment: Not observed at significant frequency in large population cohorts (gnomAD); In silico analysis supports that this missense variant has a deleterious effect on protein structure/function; Has not been previously published as pathogenic or benign to our knowledge